The following is an entry in ClinVar:

ClinVar aggregate classification (germline): Uncertain significance (1 of 4 stars; one submission).

Conditions:
Cardiovascular phenotype. Identifiers: MedGen CN230736.
Hereditary cancer-predisposing syndrome. Also called: Neoplastic Syndromes, Hereditary; Tumor predisposition; Hereditary neoplastic syndrome; Hereditary Cancer Syndrome. Identifiers: Orphanet 140162, MedGen C0027672, MeSH D009386, MONDO:0015356.

Submission:

Ambry Genetics
Classification: Uncertain significance for Cardiovascular phenotype; Hereditary cancer-predisposing syndrome. Last evaluated: 2026-08-11. Review status: criteria provided, single submitter. Criteria: Ambry Variant Classification Scheme 2023. Collection method: clinical testing. Allele origin: germline.
Comment: The p.G2001A variant (also known as c.6002G>C), located in coding exon 40 of the NF1 gene, results from a G to C substitution at nucleotide position 6002. The glycine at codon 2001 is replaced by alanine, an amino acid with similar properties. This amino acid position is conserved. In addition, this alteration is predicted to be deleterious by in silico analysis. Based on the available evidence, the clinical significance of this variant remains unclear.

NM_001042492.3(NF1):c.6065G>C (p.Gly2022Ala)

Gene: NF1 (neurofibromin 1; plus strand). Cytogenetic location: 17q11.2.
Variant type: single nucleotide variant.
Coding change: c.6065G>C on transcript NM_001042492.3 (MANE Select); coding-DNA position 6065, G replaced by C.
Protein change: p.Gly2022Ala; replaces glycine 2022 with alanine.
Molecular consequence: missense variant.
Genome position (GRCh38, 1-based): chr17:31,336,391, G>C. VCF-style: chr17-31336391-G-C. GRCh37 (hg19) VCF-style: chr17-29663409-G-C.
Other names: c.6002G>C, p.Gly2001Ala (NM_000267.4); short protein forms G2001A, G2022A.
Identifiers: ClinVar variation 5025620 (VCV005025620.1).
Genomic context (GRCh38, chr17:31,336,391, plus strand): 5'-AGATTACAGATCTGCTTGATGTTGTACTAGACAGTTTCATCAAAACCAGTGCAACAGGTG[G>C]CTTGGGATCAATAAAAGCTGAGGTGATGGCAGATACTGCTGTAGCTTTGGCTTCTGGAAA-3'
Protein context (NP_001035957.1, residues 2012-2032): DSFIKTSATG[Gly2022Ala]LGSIKAEVMA